The following is an entry in ClinVar:

NM_014844.5(TECPR2):c.2873A>T (p.Tyr958Phe)

Gene: TECPR2 (tectonin beta-propeller repeat containing 2; plus strand). Cytogenetic location: 14q32.31.
Variant type: single nucleotide variant.
Coding change: c.2873A>T on transcript NM_014844.5 (MANE Select); coding-DNA position 2873, A replaced by T.
Protein change: p.Tyr958Phe; replaces tyrosine 958 with phenylalanine.
Molecular consequence: missense variant.
Genome position (GRCh38, 1-based): chr14:102,443,767, A>T. VCF-style: chr14-102443767-A-T. GRCh37 (hg19) VCF-style: chr14-102910104-A-T.
Other names: c.2873A>T, p.Tyr958Phe (NM_001172631.3); short protein forms Y958F.
Identifiers: ClinVar variation 2194841 (VCV002194841.1), dbSNP rs956791497, ClinGen allele CA267067571.
Genomic context (GRCh38, chr14:102,443,767, plus strand): 5'-CCCAGATCACAGCCCGGAACAATGTGGTGTGGGCGCTGACAGAGCAGAGGGCCCTCCTGT[A>T]CCGGGAGGGCGTGAGCAGCTTCTGTCCGGAAGGCGAGCAGTGGAAGTGTGACATTGTCAG-3'
Protein context (NP_055659.2, residues 948-968): WALTEQRALL[Tyr958Phe]REGVSSFCPE

ClinVar aggregate classification (germline): Uncertain significance (1 of 4 stars; one submission).

Conditions:
Hereditary spastic paraplegia 49 (HSAN9). Also called: NEUROPATHY, HEREDITARY SENSORY AND AUTONOMIC, TYPE IX, WITH DEVELOPMENTAL DELAY; Spastic paraplegia 49, autosomal recessive; TECPR2-Related Hereditary Sensory and Autonomic Neuropathy with Intellectual Disability. Identifiers: Orphanet 320385, MedGen C5190860, MONDO:0014016, OMIM 615031.

Allele frequency attached by ClinVar (database versions not stated): TOPMed 0.00001.
gnomAD v4.1: 14 of 1,609,872 alleles (0.00087%); highest among the groups gnomAD compares: African/African-American, 0.0013%; no homozygotes.

Submission:

Labcorp Genetics (formerly Invitae), Labcorp
Classification: Uncertain significance for Hereditary spastic paraplegia 49. Last evaluated: 2021-08-26. Review status: criteria provided, single submitter. Criteria: Invitae Variant Classification Sherloc (09022015). Collection method: clinical testing. Allele origin: germline.
Comment: This sequence change replaces tyrosine with phenylalanine at codon 958 of the TECPR2 protein (p.Tyr958Phe). The tyrosine residue is moderately conserved and there is a small physicochemical difference between tyrosine and phenylalanine. This variant is not present in population databases (ExAC no frequency). This variant has not been reported in the literature in individuals affected with TECPR2-related conditions. Algorithms developed to predict the effect of missense changes on protein structure and function output the following: SIFT: "Tolerated"; PolyPhen-2: "Benign"; Align-GVGD: "Class C0". The phenylalanine amino acid residue is found in multiple mammalian species, which suggests that this missense change does not adversely affect protein function. In summary, the available evidence is currently insufficient to determine the role of this variant in disease. Therefore, it has been classified as a Variant of Uncertain Significance.